The following is an entry in ClinVar:

NM_025132.4(WDR19):c.1581C>A (p.Thr527=)

Gene: WDR19 (WD repeat domain 19; plus strand). Cytogenetic location: 4p14.
Variant type: single nucleotide variant.
Coding change: c.1581C>A on transcript NM_025132.4 (MANE Select); coding-DNA position 1581, C replaced by A.
Protein change: p.Thr527=; no amino-acid change (threonine 527 retained).
Molecular consequence: synonymous variant.
Genome position (GRCh38, 1-based): chr4:39,224,985, C>A. VCF-style: chr4-39224985-C-A. GRCh37 (hg19) VCF-style: chr4-39226605-C-A.
Other names: p.Thr527=; c.1101C>A, p.Thr367= (NM_001317924.2).
Identifiers: ClinVar variation 261858 (VCV000261858.35), dbSNP rs114689848, ClinGen allele CA2891884.

ClinVar aggregate classification (germline): Benign/Likely benign. Review status: criteria provided, multiple submitters, no conflicts (2 of 4 stars). 15 submissions from 11 submitters: Benign (12); Likely benign (2). 1 of the submissions does not count toward it. Last evaluated 2026-01-30.

Conditions:
Asphyxiating thoracic dystrophy 5 (SRTD5). Also called: SHORT-RIB THORACIC DYSPLASIA 5 WITH OR WITHOUT POLYDACTYLY; SHORT-RIB THORACIC DYSPLASIA 5 WITHOUT POLYDACTYLY. Identifiers: Orphanet 474, MedGen C3280598, MONDO:0013717, OMIM 614376.
Nephronophthisis 13 (NPHP13). Identifiers: Orphanet 655, MedGen C3280612, MONDO:0013718, OMIM 614377.
Cranioectodermal dysplasia 4 (CED4). Identifiers: Orphanet 1515, MedGen C3280616, MONDO:0013719, OMIM 614378.
Spermatogenic failure 72 (SPGF72). Identifiers: MedGen C5676980, MONDO:0030809, OMIM 619867.
Senior-Loken syndrome 8 (SLSN8). Identifiers: Orphanet 3156, MedGen C4225376, MONDO:0014579, OMIM 616307.
Connective tissue disorder. Also called: Connective tissue disease. Identifiers: MedGen C0009782, MONDO:0003900.

Allele frequency attached by ClinVar (database versions not stated): ESP Exome Variant Server 0.00807; 1000 Genomes Project 0.00839; gnomAD 0.00847; 1000 Genomes Project 30x 0.00890; TOPMed 0.01000.
gnomAD v4.1: 2,420 of 1,573,522 alleles (0.15%); highest among the groups gnomAD compares: African/African-American, 2.9%; 37 homozygotes.

Submissions (15):

Labcorp Genetics (formerly Invitae), Labcorp
Classification: Benign for Senior-Loken syndrome 8; Asphyxiating thoracic dystrophy 5. Last evaluated: 2026-01-30. Review status: criteria provided, single submitter. Criteria: Invitae Variant Classification Sherloc (09022015). Collection method: clinical testing. Allele origin: germline.

Blueprint Genetics
Classification: Likely benign. Last evaluated: 2024-10-03. Review status: criteria provided, single submitter. Criteria: ACMG Guidelines, 2015. Collection method: clinical testing. Allele origin: germline.

Mayo Clinic Laboratories, Mayo Clinic
Classification: Benign. Last evaluated: 2024-09-26. Review status: criteria provided, single submitter. Criteria: ACMG Guidelines, 2015. Collection method: clinical testing. Allele origin: germline. Observed: 2 variant alleles.
Comment: BS1, BS2, BP4, BP7

Genome Diagnostics Laboratory, The Hospital for Sick Children
Classification: Benign for Connective tissue disorder. Last evaluated: 2022-05-13. Review status: criteria provided, single submitter. Criteria: ACMG Guidelines, 2015. Collection method: clinical testing. Allele origin: germline.

ARUP Laboratories, Molecular Genetics and Genomics, ARUP Laboratories
Classification: Benign. Last evaluated: 2022-04-28. Review status: criteria provided, single submitter. Criteria: ARUP Molecular Germline Variant Investigation Process 2021. Collection method: clinical testing. Allele origin: germline.

Genome-Nilou Lab
Classification: Benign for Cranioectodermal dysplasia 4. Last evaluated: 2021-12-05. Review status: criteria provided, single submitter. Criteria: ACMG Guidelines, 2015. Collection method: clinical testing. Allele origin: germline. Affected: no.

Genome-Nilou Lab
Classification: Benign for Nephronophthisis 13. Last evaluated: 2021-12-05. Review status: criteria provided, single submitter. Criteria: ACMG Guidelines, 2015. Collection method: clinical testing. Allele origin: germline. Affected: no.

Genome-Nilou Lab
Classification: Benign for Senior-Loken syndrome 8. Last evaluated: 2021-12-05. Review status: criteria provided, single submitter. Criteria: ACMG Guidelines, 2015. Collection method: clinical testing. Allele origin: germline. Affected: no.

Genome-Nilou Lab
Classification: Benign for Asphyxiating thoracic dystrophy 5. Last evaluated: 2021-12-05. Review status: criteria provided, single submitter. Criteria: ACMG Guidelines, 2015. Collection method: clinical testing. Allele origin: germline. Affected: no.

Fulgent Genetics
Classification: Likely benign for Asphyxiating thoracic dystrophy 5; Nephronophthisis 13; Cranioectodermal dysplasia 4; Senior-Loken syndrome 8; Spermatogenic failure 72. Last evaluated: 2021-07-26. Review status: criteria provided, single submitter. Criteria: ACMG Guidelines, 2015. Collection method: clinical testing. Allele origin: unknown.

Illumina Laboratory Services, Illumina
Classification: Benign for Cranioectodermal dysplasia 4. Last evaluated: 2018-01-13. Review status: criteria provided, single submitter. Criteria: ICSL Variant Classification Criteria 13 December 2019. Collection method: clinical testing. Allele origin: germline.
Comment: This variant was observed in the ICSL laboratory as part of a predisposition screen in an ostensibly healthy population. It had not been previously curated by ICSL or reported in the Human Gene Mutation Database (HGMD: prior to June 1st, 2018), and was therefore a candidate for classification through an automated scoring system. Utilizing variant allele frequency, disease prevalence and penetrance estimates, and inheritance mode, an automated score was calculated to assess if this variant is too frequent to cause the disease. Based on the score and internal cut-off values, a variant classified as benign is not then subjected to further curation. The score for this variant resulted in a classification of benign for this disease.

Illumina Laboratory Services, Illumina
Classification: Benign for Asphyxiating thoracic dystrophy 5. Last evaluated: 2018-01-13. Review status: criteria provided, single submitter. Criteria: ICSL Variant Classification Criteria 13 December 2019. Collection method: clinical testing. Allele origin: germline.
Comment: the same text as in the submission from Illumina Laboratory Services, Illumina above.

Breakthrough Genomics
Classification: Benign. Review status: criteria provided, single submitter. Criteria: ACMG Guidelines, 2015. Collection method: not provided. Allele origin: germline. Inheritance: Autosomal recessive inheritance. Affected: yes.

PreventionGenetics, part of Exact Sciences
Classification: Benign. Review status: criteria provided, single submitter. Criteria: ACMG Guidelines, 2015. Collection method: clinical testing. Allele origin: germline.

Genetic Services Laboratory, University of Chicago
Classification: Benign. Last evaluated: 2022-08-16. Review status: no assertion criteria provided. Collection method: clinical testing. Allele origin: germline. Affected: no. Not counted in ClinVar's aggregate classification.